The following is an entry in ClinVar:

NM_002485.5(NBN):c.1814A>T (p.Asp605Val)

Gene: NBN (nibrin; minus strand). Cytogenetic location: 8q21.3.
Variant type: single nucleotide variant.
Coding change: c.1814A>T on transcript NM_002485.5 (MANE Select); coding-DNA position 1814, A replaced by T.
Protein change: p.Asp605Val; replaces aspartic acid 605 with valine.
Molecular consequence: missense variant.
Genome position (GRCh38, 1-based): chr8:89,953,275, T>A on the plus strand (A>T on the coding strand, the complement: NBN is on the minus strand). VCF-style: chr8-89953275-T-A. GRCh37 (hg19) VCF-style: chr8-90965503-T-A.
Other names: c.1568A>T, p.Asp523Val (NM_001024688.3); short protein forms D523V, D605V.
Identifiers: ClinVar variation 929204 (VCV000929204.1), dbSNP rs1810522103, ClinGen allele CA371655030.
Genomic context (GRCh38, chr8:89,953,275, plus strand): 5'-CTATACCTCTCATTTAAAATGTTACTTACAGATATTTTGCTACTTTCTGGTACTGCTTCA[T>A]CACTGAAAGTGTCATTTGTTTCTATATCCATCCTTGGCCTTTTTCTAACATTGACATCTT-3'
Protein context (NP_002476.2, residues 595-615): MDIETNDTFS[Asp605Val]EAVPESSKIS

ClinVar aggregate classification (germline): Uncertain significance (1 of 4 stars; one submission).

Submission:

Women's Health and Genetics/Laboratory Corporation of America, LabCorp
Classification: Uncertain significance. Last evaluated: 2019-01-14. Review status: criteria provided, single submitter. Criteria: LabCorp Variant Classification Summary - May 2015. Collection method: clinical testing. Allele origin: germline.
Comment: Variant summary: NBN c.1814A>T (p.Asp605Val) results in a non-conservative amino acid change in the encoded protein sequence. Four of five in-silico tools predict a benign effect of the variant on protein function. The variant was absent in 245612 control chromosomes (gnomAD). The available data on variant occurrences in the general population are insufficient to allow any conclusion about variant significance. To our knowledge, no occurrence of c.1814A>T in individuals affected with Hereditary Breast and Ovarian Cancer and no experimental evidence demonstrating its impact on protein function have been reported. No clinical diagnostic laboratories have submitted clinical-significance assessments for this variant to ClinVar after 2014. Based on the evidence outlined above, the variant was classified as uncertain significance.